The following is an entry in ClinVar:

NM_000135.4(FANCA):c.*679T>G

Genes: FANCA (FA complementation group A; minus strand), ZNF276 (zinc finger protein 276; plus strand). Cytogenetic location: 16q24.3.
Variant type: single nucleotide variant.
Coding change: c.*679T>G on transcript NM_000135.4 (MANE Select); 679 bases downstream of the stop codon, T replaced by G.
Molecular consequence: 3 prime UTR variant. On other transcripts: intron variant (2).
Genome position (GRCh38, 1-based): chr16:89,737,922, A>C on the plus strand (T>G on the coding strand, the complement: FANCA is on the minus strand). VCF-style: chr16-89737922-A-C. GRCh37 (hg19) VCF-style: chr16-89804330-A-C.
Other names: c.*776T>G (NM_001286167.3); c.1349+17A>C (NM_152287.4); c.1574+17A>C (NM_001113525.2).
Identifiers: ClinVar variation 321310 (VCV000321310.7), dbSNP rs17233833, ClinGen allele CA8250426.

ClinVar aggregate classification (germline): Benign/Likely benign. Review status: criteria provided, multiple submitters, no conflicts (2 of 4 stars). 3 submissions from 3 submitters: Benign (2); Likely benign (1). Last evaluated 2024-11-27.

Conditions:
Fanconi anemia complementation group A (FANCA). Also called: Fanconi anemia, group A; FANCA-Related Fanconi Anemia. Identifiers: Orphanet 84, MedGen C3469521, MONDO:0009215, OMIM 227650.

Allele frequency attached by ClinVar (database versions not stated): ESP Exome Variant Server 0.01062; TOPMed 0.01093; gnomAD 0.01627 and 0.02058; 1000 Genomes Project 0.06330.
gnomAD v4.1: 20,390 of 1,556,076 alleles (1.3%); highest among the groups gnomAD compares: South Asian, 8.3%; 472 homozygotes.

Submissions (3):

Blueprint Genetics
Classification: Likely benign. Last evaluated: 2024-11-27. Review status: criteria provided, single submitter. Criteria: ACMG Guidelines, 2015. Collection method: clinical testing. Allele origin: germline.

Illumina Laboratory Services, Illumina
Classification: Benign for Fanconi anemia complementation group A. Last evaluated: 2018-01-12. Review status: criteria provided, single submitter. Criteria: ICSL Variant Classification Criteria 13 December 2019. Collection method: clinical testing. Allele origin: germline.
Comment: This variant was observed in the ICSL laboratory as part of a predisposition screen in an ostensibly healthy population. It had not been previously curated by ICSL or reported in the Human Gene Mutation Database (HGMD: prior to June 1st, 2018), and was therefore a candidate for classification through an automated scoring system. Utilizing variant allele frequency, disease prevalence and penetrance estimates, and inheritance mode, an automated score was calculated to assess if this variant is too frequent to cause the disease. Based on the score and internal cut-off values, a variant classified as benign is not then subjected to further curation. The score for this variant resulted in a classification of benign for this disease.

Breakthrough Genomics
Classification: Benign. Review status: criteria provided, single submitter. Criteria: ACMG Guidelines, 2015. Collection method: not provided. Allele origin: germline. Inheritance: Autosomal recessive inheritance. Affected: yes.